The following is an entry in ClinVar:

ClinVar aggregate classification (germline): Benign (1 of 4 stars; one submission).

Allele frequency attached by ClinVar (database versions not stated): 1000 Genomes Project 30x 0.15162; 1000 Genomes Project 0.15455; gnomAD 0.17228 and 0.17363; TOPMed 0.17449.
gnomAD v4.1: 26,449 of 152,290 alleles (17%); highest among the groups gnomAD compares: East Asian, 24%; 2,553 homozygotes.

Submission:

GeneDx
Classification: Benign. Last evaluated: 2018-06-16. Review status: criteria provided, single submitter. Criteria: GeneDx Variant Classification (06012015). Collection method: clinical testing. Allele origin: germline. Affected: yes.
Comment: This variant is considered likely benign or benign based on one or more of the following criteria: it is a conservative change, it occurs at a poorly conserved position in the protein, it is predicted to be benign by multiple in silico algorithms, and/or has population frequency not consistent with disease.

NM_000289.6(PFKM):c.238-291A>G

Gene: PFKM (phosphofructokinase, muscle; plus strand). Cytogenetic location: 12q13.11.
Variant type: single nucleotide variant.
Coding change: c.238-291A>G on transcript NM_000289.6 (MANE Select); 291 bases into the intron before coding-DNA position 238, A replaced by G.
Molecular consequence: intron variant.
Genome position (GRCh38, 1-based): chr12:48,132,577, A>G. VCF-style: chr12-48132577-A-G. GRCh37 (hg19) VCF-style: chr12-48526360-A-G.
Other names: c.262-291A>G (NM_001354741.2); c.238-291A>G (NM_001354742.2, NM_001354743.2, NM_001354744.2 and 4 more transcripts); c.88-291A>G (NM_001354747.2, NM_001354748.2); c.451-291A>G (NM_001166686.2, NM_001354737.1, NM_001354739.1 and 1 more transcripts); c.547-291A>G (NM_001354736.1, NM_001354735.1); c.382-291A>G (NM_001354740.1); c.151-291A>G (NM_001354745.2).
Identifiers: ClinVar variation 684369 (VCV000684369.1), dbSNP rs10875748, ClinGen allele CA15757670.